The following is an entry in ClinVar:

NM_025137.4(SPG11):c.5866+5G>C

Gene: SPG11 (SPG11 vesicle trafficking associated, spatacsin; minus strand). Cytogenetic location: 15q21.1.
Variant type: single nucleotide variant.
Coding change: c.5866+5G>C on transcript NM_025137.4 (MANE Select); 5 bases into the intron after coding-DNA position 5866, G replaced by C.
Molecular consequence: intron variant.
Genome position (GRCh38, 1-based): chr15:44,583,809, C>G on the plus strand (G>C on the coding strand, the complement: SPG11 is on the minus strand). VCF-style: chr15-44583809-C-G. GRCh37 (hg19) VCF-style: chr15-44876007-C-G.
Other names: c.5866+5G>C (NM_001160227.2).
Identifiers: ClinVar variation 985746 (VCV000985746.7), dbSNP rs1256036525, ClinGen allele CA1139663870.

ClinVar aggregate classification (germline): Conflicting classifications of pathogenicity. Review status: criteria provided, conflicting classifications (1 of 4 stars). 2 submissions from 2 submitters: Likely pathogenic (1); Uncertain significance (1). Last evaluated 2023-06-05.

Conditions:
Hereditary spastic paraplegia 11. Also called: Spastic Paraplegia 11; Spastic paraplegia, mental retardation and thin corpus callosum; SPASTIC PARAPLEGIA, AUTOSOMAL RECESSIVE, COMPLICATED, WITH THIN CORPUS CALLOSUM; SPASTIC PARAPLEGIA, AUTOSOMAL RECESSIVE, WITH MENTAL IMPAIRMENT AND THIN CORPUS CALLOSUM; Nakamura Osame syndrome; Autosomal recessive hereditary spastic paraplegia, mental impairment, and thin corpus callosum. Identifiers: Orphanet 2822, MedGen C1858479, MONDO:0011445, OMIM 604360.
Inborn genetic diseases. Identifiers: MedGen C0950123, MeSH D030342.

Allele frequency attached by ClinVar (database versions not stated): gnomAD exomes below 0.00001.
gnomAD v4.1: 2 of 1,614,168 alleles (0.00012%); highest among the groups gnomAD compares: Non-Finnish European, 0.000085%; no homozygotes.

Submissions (2):

Labcorp Genetics (formerly Invitae), Labcorp
Classification: Uncertain significance for Hereditary spastic paraplegia 11. Last evaluated: 2023-06-05. Review status: criteria provided, single submitter. Criteria: Invitae Variant Classification Sherloc (09022015). Collection method: clinical testing. Allele origin: germline.
Comment: In summary, the available evidence is currently insufficient to determine the role of this variant in disease. Therefore, it has been classified as a Variant of Uncertain Significance. Variants that disrupt the consensus splice site are a relatively common cause of aberrant splicing (PMID: 17576681, 9536098). Algorithms developed to predict the effect of sequence changes on RNA splicing suggest that this variant may disrupt the consensus splice site. ClinVar contains an entry for this variant (Variation ID: 985746). This variant has not been reported in the literature in individuals affected with SPG11-related conditions. This variant is not present in population databases (gnomAD no frequency). This sequence change falls in intron 30 of the SPG11 gene. It does not directly change the encoded amino acid sequence of the SPG11 protein. It affects a nucleotide within the consensus splice site.

Ambry Genetics
Classification: Likely pathogenic for Inborn genetic diseases. Last evaluated: 2021-06-22. Review status: criteria provided, single submitter. Criteria: Ambry Variant Classification Scheme 2023. Collection method: clinical testing. Allele origin: germline.
Comment: The c.5866+5G>C intronic alteration results from a G to C substitution 5 nucleotides after coding exon 30 of the SPG11 gene. Based on data from the Genome Aggregation Database (gnomAD), c.5866+5G>C alteration was not observed, with coverage at this position. The c.5866+5G nucleotide is conserved in available vertebrate species. RNA studies have demonstrated that this alteration results in abnormal splicing in the set of samples tested (Ambry internal data). In silico splice site analysis predicts that this alteration will weaken the native splice donor site. Based on the available evidence, this alteration is classified as likely pathogenic.

Literature cited by the submitters: PubMed 17576681 (cited by Labcorp Genetics (formerly Invitae), Labcorp); PubMed 9536098 (cited by Labcorp Genetics (formerly Invitae), Labcorp).